The following is an entry in ClinVar:

NM_001267550.2(TTN):c.13127_13318delinsTACC (p.Asp4376fs)

Gene: TTN (titin; minus strand). Cytogenetic location: 2q31.2.
Variant type: Indel.
Coding change: c.13127_13318delinsTACC on transcript NM_001267550.2 (MANE Select); coding-DNA positions 13127 to 13318, the reference bases replaced by TACC.
Protein change: p.Asp4376fs; shifts the reading frame from aspartic acid 4376.
Molecular consequence: frameshift variant. On other transcripts: intron variant (1).
Genome position (GRCh38, 1-based): chr2:178,739,915-178,740,106, 192 bases replaced. GRCh37 (hg19): chr2:179,604,642-179,604,833.
Other names: c.12176_12367delinsTACC, p.Asp4059fs (NM_001256850.1); c.12038_12229delinsTACC, p.Asp4013fs (NM_003319.4); c.12413_12604delinsTACC, p.Asp4138fs (NM_133432.3); c.12614_12805delinsTACC, p.Asp4205fs (NM_133437.4); c.10361-1746_10361-1555delinsTACC (NM_133378.4); short protein forms D4013fs, D4059fs, D4138fs, D4205fs, D4376fs.
Identifiers: ClinVar variation 4535436 (VCV004535436.6).

ClinVar aggregate classification (germline): Likely pathogenic (1 of 4 stars; one submission).

Submission:

CeGaT Center for Human Genetics Tuebingen
Classification: Likely pathogenic. Last evaluated: 2025-11-01. Review status: criteria provided, single submitter. Criteria: CeGaT Center For Human Genetics Tuebingen Variant Classification Criteria Version 2. Collection method: clinical testing. Allele origin: germline. Affected: yes. Observed: 1 variant allele.
Comment: TTN: PVS1:Strong, PM2